The following is an entry in ClinVar:

ClinVar aggregate classification (germline): Benign/Likely benign. Review status: criteria provided, multiple submitters, no conflicts (2 of 4 stars). 4 submissions from 4 submitters: Benign (1); Likely benign (3). Last evaluated 2025-07-18.

Conditions:
Familial cancer of breast. Also called: Hereditary breast cancer; hereditary breast carcinoma; BREAST CANCER, FAMILIAL. Identifiers: Orphanet 227535, MedGen C0346153, MONDO:0016419, OMIM 114480. Disease mechanism: loss of function.
Hereditary cancer-predisposing syndrome. Also called: Neoplastic Syndromes, Hereditary; Tumor predisposition; Hereditary Cancer Syndrome; Hereditary neoplastic syndrome. Identifiers: Orphanet 140162, MedGen C0027672, MeSH D009386, MONDO:0015356.

gnomAD v4.1: 2 of 1,612,758 alleles (0.00012%); highest among the groups gnomAD compares: Non-Finnish European, 0.00017%; no homozygotes.

Submissions (4):

Labcorp Genetics (formerly Invitae), Labcorp
Classification: Likely benign for Familial cancer of breast. Last evaluated: 2025-07-18. Review status: criteria provided, single submitter. Criteria: Invitae Variant Classification Sherloc (09022015). Collection method: clinical testing. Allele origin: germline.

Center for Genomic Medicine, Rigshospitalet, Copenhagen University Hospital
Classification: Likely benign. Last evaluated: 2025-03-04. Review status: criteria provided, single submitter. Criteria: ACMG Guidelines, 2015. Collection method: clinical testing. Allele origin: germline.

Myriad Genetics, Inc.
Classification: Benign for Familial cancer of breast. Last evaluated: 2024-07-22. Review status: criteria provided, single submitter. Criteria: Myriad Autosomal Dominant, Autosomal Recessive and X-Linked Classification Criteria (2023). Collection method: clinical testing. Allele origin: unknown.
Comment: This variant is considered benign. This variant is a silent/synonymous amino acid change and it is not expected to impact splicing.

Ambry Genetics
Classification: Likely benign for Hereditary cancer-predisposing syndrome. Last evaluated: 2019-12-15. Review status: criteria provided, single submitter. Criteria: Ambry Variant Classification Scheme 2023. Collection method: clinical testing. Allele origin: germline.

NM_000465.4(BARD1):c.552C>T (p.Ser184=)

Gene: BARD1 (BRCA1 associated RING domain 1; minus strand). Cytogenetic location: 2q35.
Variant type: single nucleotide variant.
Coding change: c.552C>T on transcript NM_000465.4 (MANE Select); coding-DNA position 552, C replaced by T.
Protein change: p.Ser184=; no amino-acid change (serine 184 retained).
Molecular consequence: synonymous variant. On other transcripts: non-coding transcript variant (2), intron variant (3).
Genome position (GRCh38, 1-based): chr2:214,781,322, G>A on the plus strand (C>T on the coding strand, the complement: BARD1 is on the minus strand). VCF-style: chr2-214781322-G-A. GRCh37 (hg19) VCF-style: chr2-215646046-G-A.
Other names: c.495C>T, p.Ser165= (NM_001282543.2); c.158+28090C>T (NM_001282548.2); c.215+15739C>T (NM_001282545.2); c.364+10975C>T (NM_001282549.2).
Identifiers: ClinVar variation 414121 (VCV000414121.15), dbSNP rs1060504193, ClinGen allele CA16610708.
Genomic context (GRCh38, chr2:214,781,322, plus strand): 5'-TTTTCCAGATCTTGCAGAAGCCTTTTTAGCCCTCTCAGAAACATCTGCAGGAGGACTTGG[G>A]GAAACAAATTCATATGAGTCTTGCTGAGCACTTGCATCTTTTTTTATTGCAGGCTGGGTT-3'
Protein context (NP_000456.2, residues 174-194): SAQQDSYEFV[Ser184=]PSPPADVSER